The following is an entry in ClinVar:

NM_000136.3(FANCC):c.1417C>A (p.Gln473Lys)

Genes: AOPEP (aminopeptidase O (putative); plus strand), FANCC (FA complementation group C; minus strand). Cytogenetic location: 9q22.32.
Variant type: single nucleotide variant.
Coding change: c.1417C>A on transcript NM_000136.3 (MANE Select); coding-DNA position 1417, C replaced by A.
Protein change: p.Gln473Lys; replaces glutamine 473 with lysine.
Molecular consequence: missense variant.
Genome position (GRCh38, 1-based): chr9:95,107,182, G>T on the plus strand (C>A on the coding strand, the complement: FANCC is on the minus strand). VCF-style: chr9-95107182-G-T. GRCh37 (hg19) VCF-style: chr9-97869464-G-T.
Other names: c.1417C>A, p.Gln473Lys (NM_001243743.2); short protein forms Q473K.
Identifiers: ClinVar variation 4254377 (VCV004254377.1).
Genomic context (GRCh38, chr9:95,107,182, plus strand): 5'-TGAGGAGAAGGTGCCTGATCAGCTGTTGTGCAGGAGCTCTGAGGTCTGTGTCTGTGCCCT[G>T]TCCTGCTACCGTCTGCAGGTCCTGGGCTGAGAGGCTGCTGCTTCTGGACATTGCCAGGAG-3'
Protein context (NP_000127.2, residues 463-483): SAQDLQTVAG[Gln473Lys]GTDTDLRAPA

ClinVar aggregate classification (germline): Uncertain significance (1 of 4 stars; one submission).

Conditions:
Hereditary cancer-predisposing syndrome. Also called: Hereditary Cancer Syndrome; Hereditary neoplastic syndrome; Neoplastic Syndromes, Hereditary; Tumor predisposition. Identifiers: Orphanet 140162, MedGen C0027672, MeSH D009386, MONDO:0015356.

Submission:

Ambry Genetics
Classification: Uncertain significance for Hereditary cancer-predisposing syndrome. Last evaluated: 2025-06-21. Review status: criteria provided, single submitter. Criteria: Ambry Variant Classification Scheme 2023. Collection method: clinical testing. Allele origin: germline.
Comment: The p.Q473K variant (also known as c.1417C>A), located in coding exon 13 of the FANCC gene, results from a C to A substitution at nucleotide position 1417. The glutamine at codon 473 is replaced by lysine, an amino acid with similar properties. This amino acid position is conserved. In addition, this alteration is predicted to be tolerated by in silico analysis. Based on the available evidence, the clinical significance of this variant remains unclear.